The following is an entry in ClinVar:

NM_000016.6(ACADM):c.713T>G (p.Leu238Ter)

Gene: ACADM (acyl-CoA dehydrogenase medium chain; plus strand). Cytogenetic location: 1p31.1.
Variant type: single nucleotide variant.
Coding change: c.713T>G on transcript NM_000016.6 (MANE Select); coding-DNA position 713, T replaced by G.
Protein change: p.Leu238Ter; replaces leucine 238 with a stop codon.
Molecular consequence: nonsense.
Genome position (GRCh38, 1-based): chr1:75,749,423, T>G. VCF-style: chr1-75749423-T-G. GRCh37 (hg19) VCF-style: chr1-76215108-T-G.
Other names: c.725T>G, p.Leu242Ter (NM_001127328.3); c.605T>G, p.Leu202Ter (NM_001286042.2); c.812T>G, p.Leu271Ter (NM_001286043.2); c.146T>G, p.Leu49Ter (NM_001286044.2); short protein forms L202*, L238*, L242*, L271*, L49*.
Identifiers: ClinVar variation 5013332 (VCV005013332.1).
Genomic context (GRCh38, chr1:75,749,423, plus strand): 5'-AAAAATTGATGCTGGCTCAAAAAAAATTCCTTAAAATATATCAATTTTCTTATTAGGAAT[T>G]AAACATGGGCCAGCGATGTTCAGATACTAGAGGAATTGTCTTCGAAGATGTGAAAGTGCC-3'

ClinVar aggregate classification (germline): Pathogenic (1 of 4 stars; one submission).

Conditions:
Medium-chain acyl-coenzyme A dehydrogenase deficiency (ACADMD). Also called: ACADM DEFICIENCY; CARNITINE DEFICIENCY SECONDARY TO MEDIUM-CHAIN ACYL-CoA DEHYDROGENASE DEFICIENCY; MCADH DEFICIENCY; MCADD; Medium chain acyl-CoA dehydrogenase deficiency; MCAD Deficiency. Identifiers: Orphanet 42, MedGen C0220710, MONDO:0008721, OMIM 201450.

Submission:

Myriad Genetics, Inc.
Classification: Pathogenic for Medium-chain acyl-coenzyme A dehydrogenase deficiency. Last evaluated: 2024-07-18. Review status: criteria provided, single submitter. Criteria: Myriad Autosomal Dominant, Autosomal Recessive and X-Linked Classification Criteria (2023). Collection method: clinical testing. Allele origin: unknown.
Comment: NM_000016.4(ACADM):c.713T>G(L238*) is expected to be pathogenic in the context of medium-chain acyl-CoA dehydrogenase deficiency. This variant is predicted to lead to an abnormal or absent protein product due to the creation of a premature termination codon in ACADM, a gene where loss-of-function variants are known to be pathogenic. Please note: this variant was assessed in the context of healthy population screening.